The following is an entry in ClinVar:

NM_001017420.3(ESCO2):c.54-1_59dup

Gene: ESCO2 (establishment of sister chromatid cohesion N-acetyltransferase 2; plus strand). Cytogenetic location: 8p21.1.
Variant type: Duplication.
Coding change: c.54-1_59dup on transcript NM_001017420.3 (MANE Select); the canonical splice acceptor site of the intron before coding-DNA position 54 through coding-DNA position 59, 7 bases duplicated (GCCTTTT; older notation c.54-1_59dupGCCTTTT).
Molecular consequence: splice acceptor variant.
Genome position (GRCh38, 1-based): chr8:27,776,361-27,776,367, GCCTTTT duplicated. VCF-style (leftmost placement, unchanged base first): chr8-27776360-A-AGCCTTTT. GRCh37 (hg19) VCF-style: chr8-27633877-A-AGCCTTTT.
Identifiers: ClinVar variation 4067386 (VCV004067386.2).

ClinVar aggregate classification (germline): Likely pathogenic (1 of 4 stars; one submission).

Conditions:
Roberts-SC phocomelia syndrome (RBS). Also called: LONG BONE DEFICIENCIES ASSOCIATED WITH CLEFT LIP-PALATE; ESCO2 Spectrum Disorder; Hypomelia hypotrichosis facial hemangioma syndrome; Pseudothalidomide syndrome; Appelt-Gerken-Lenz syndrome. Identifiers: Orphanet 3103, MedGen C0392475, MONDO:0100253, OMIM 268300.

Submission:

Natera, Inc.
Classification: Likely pathogenic for Roberts syndrome. Last evaluated: 2025-04-21. Review status: criteria provided, single submitter. Criteria: Natera Variant Classification Schema (03/2026). Collection method: clinical testing. Allele origin: germline.
Comment: The c.54-1_59dup variant in ESCO2 is a canonical splice acceptor site variant predicted to affect pre-mRNA splicing, which may result in an abnormal transcript and altered protein product. This variant is expected to result in nonsense mediated decay, truncation, or a dysfunctional protein product. This variant is rare in the general population with a frequency below the threshold expected for the associated phenotype(s). Given the available evidence, this variant is classified as Likely Pathogenic.